The following is an entry in ClinVar:

ClinVar aggregate classification (germline): Likely pathogenic (1 of 4 stars; one submission).

Conditions:
Usher syndrome type 1 (USH1). Also called: RETINITIS PIGMENTOSA AND CONGENITAL DEAFNESS. Identifiers: Orphanet 231169, Orphanet 886, MedGen C1568247, MONDO:0010168, OMIM 276900.

Submission:

Natera, Inc.
Classification: Likely pathogenic for Usher syndrome type 1. Last evaluated: 2025-01-15. Review status: criteria provided, single submitter. Criteria: Natera Variant Classification Schema (03/2026). Collection method: clinical testing. Allele origin: germline.
Comment: The c.4608dup variant in CDH23 is a frameshift variant predicted to shift the reading frame beginning at codon 1537 and leads to a stop codon 3 codons downstream. This variant is expected to result in nonsense mediated decay, truncation, or a dysfunctional protein product. This variant is rare in the general population with a frequency below the threshold expected for the associated phenotype(s). Given the available evidence, this variant is classified as Likely Pathogenic.

NM_022124.6(CDH23):c.4608dup (p.Val1537fs)

Gene: CDH23 (cadherin related 23; plus strand). Cytogenetic location: 10q22.1.
Variant type: Duplication.
Coding change: c.4608dup on transcript NM_022124.6 (MANE Select); coding-DNA position 4608, one base duplicated (T; older notation c.4608dupT).
Protein change: p.Val1537fs; shifts the reading frame from valine 1537.
Molecular consequence: frameshift variant.
Genome position (GRCh38, 1-based): chr10:71,740,941, T duplicated. VCF-style (leftmost placement, unchanged base first): chr10-71740940-G-GT. GRCh37 (hg19) VCF-style: chr10-73500697-G-GT.
Other names: short protein forms V1537fs.
Identifiers: ClinVar variation 4064199 (VCV004064199.2).